The following is an entry in ClinVar:

ClinVar aggregate classification (germline): Uncertain significance. Review status: criteria provided, multiple submitters, no conflicts (2 of 4 stars). 2 submissions from 2 submitters: Uncertain significance (2). Last evaluated 2024-08-28.

Conditions:
Inborn genetic diseases. Identifiers: MedGen C0950123, MeSH D030342.

Allele frequency attached by ClinVar (database versions not stated): gnomAD 0.00001; TOPMed 0.00001; gnomAD exomes below 0.00001.

Submissions (2):

Ambry Genetics
Classification: Uncertain significance for Inborn genetic diseases. Last evaluated: 2024-08-28. Review status: criteria provided, single submitter. Criteria: Ambry Variant Classification Scheme 2023. Collection method: clinical testing. Allele origin: germline.

Labcorp Genetics (formerly Invitae), Labcorp
Classification: Uncertain significance. Last evaluated: 2021-08-28. Review status: criteria provided, single submitter. Criteria: Invitae Variant Classification Sherloc (09022015). Collection method: clinical testing. Allele origin: germline.
Comment: This sequence change replaces arginine with histidine at codon 343 of the ASAH1 protein (p.Arg343His). The arginine residue is weakly conserved and there is a small physicochemical difference between arginine and histidine. This variant is not present in population databases (ExAC no frequency). This variant has not been reported in the literature in individuals affected with ASAH1-related conditions. Algorithms developed to predict the effect of missense changes on protein structure and function output the following: SIFT: "Tolerated"; PolyPhen-2: "Benign"; Align-GVGD: "Class C0". The histidine amino acid residue is found in multiple mammalian species, which suggests that this missense change does not adversely affect protein function. In summary, the available evidence is currently insufficient to determine the role of this variant in disease. Therefore, it has been classified as a Variant of Uncertain Significance.

NM_177924.5(ASAH1):c.1028G>A (p.Arg343His)

Gene: ASAH1 (N-acylsphingosine amidohydrolase 1; minus strand). Cytogenetic location: 8p22.
Variant type: single nucleotide variant.
Coding change: c.1028G>A on transcript NM_177924.5 (MANE Select); coding-DNA position 1028, G replaced by A.
Protein change: p.Arg343His; replaces arginine 343 with histidine.
Molecular consequence: missense variant.
Genome position (GRCh38, 1-based): chr8:18,059,354, C>T on the plus strand (G>A on the coding strand, the complement: ASAH1 is on the minus strand). VCF-style: chr8-18059354-C-T. GRCh37 (hg19) VCF-style: chr8-17916863-C-T.
Other names: c.1010G>A, p.Arg337His (NM_001127505.3); c.833G>A, p.Arg278His (NM_001363743.2); c.1076G>A, p.Arg359His (NM_004315.6); c.1028G>A (NM_177924.3); short protein forms R343H, R278H, R337H, R359H.
Identifiers: ClinVar variation 1405633 (VCV001405633.6), dbSNP rs754934260, ClinGen allele CA370427266.